The following is an entry in ClinVar:

ClinVar aggregate classification (germline): Uncertain significance (1 of 4 stars; one submission).

Conditions:
DYRK1A-related intellectual disability syndrome (MRD7). Also called: DYRK1A Syndrome; Intellectual developmental disorder, autosomal dominant 7. Identifiers: Orphanet 464306, MedGen C5568143, MONDO:0013578, OMIM 614104.

Allele frequency attached by ClinVar (database versions not stated): gnomAD exomes 0.00001.
gnomAD v4.1: 3 of 1,614,168 alleles (0.00019%); highest among the groups gnomAD compares: Non-Finnish European, 0.00025%; no homozygotes.

Submission:

Labcorp Genetics (formerly Invitae), Labcorp
Classification: Uncertain significance for DYRK1A-related intellectual disability syndrome. Last evaluated: 2024-11-18. Review status: criteria provided, single submitter. Criteria: Invitae Variant Classification Sherloc (09022015). Collection method: clinical testing. Allele origin: germline.
Comment: This sequence change replaces glycine, which is neutral and non-polar, with glutamic acid, which is acidic and polar, at codon 540 of the DYRK1A protein (p.Gly540Glu). This variant is not present in population databases (gnomAD no frequency). This variant has not been reported in the literature in individuals affected with DYRK1A-related conditions. ClinVar contains an entry for this variant (Variation ID: 2776565). Invitae Evidence Modeling of protein sequence and biophysical properties (such as structural, functional, and spatial information, amino acid conservation, physicochemical variation, residue mobility, and thermodynamic stability) indicates that this missense variant is not expected to disrupt DYRK1A protein function with a negative predictive value of 95%. In summary, the available evidence is currently insufficient to determine the role of this variant in disease. Therefore, it has been classified as a Variant of Uncertain Significance.

NM_001347721.2(DYRK1A):c.1592G>A (p.Gly531Glu)

Gene: DYRK1A (dual specificity tyrosine phosphorylation regulated kinase 1A; plus strand). Cytogenetic location: 21q22.13.
Variant type: single nucleotide variant.
Coding change: c.1592G>A on transcript NM_001347721.2 (MANE Select); coding-DNA position 1592, G replaced by A.
Protein change: p.Gly531Glu; replaces glycine 531 with glutamic acid.
Molecular consequence: missense variant. On other transcripts: intron variant (1).
Genome position (GRCh38, 1-based): chr21:37,506,171, G>A. VCF-style: chr21-37506171-G-A. GRCh37 (hg19) VCF-style: chr21-38878474-G-A.
Other names: c.1592G>A, p.Gly531Glu (NM_001347722.2, NM_130436.2); c.1505G>A, p.Gly502Glu (NM_001347723.2); c.1619G>A, p.Gly540Glu (NM_001396.5, NM_101395.2); c.1546+582G>A (NM_130438.2); short protein forms G502E, G531E, G540E.
Identifiers: ClinVar variation 2776565 (VCV002776565.3), dbSNP rs2518077394, ClinGen allele CA409938934.